The following is an entry in ClinVar:

ClinVar aggregate classification (germline): Uncertain significance (1 of 4 stars; one submission).

Submission:

Ambry Genetics
Classification: Uncertain significance. Last evaluated: 2025-06-27. Review status: criteria provided, single submitter. Criteria: Ambry Variant Classification Scheme 2023. Collection method: clinical testing. Allele origin: germline.
Comment: The c.3917+5delG intronic variant, located in intron 35 of the KIF1B gene, results from a deletion of one nucleotide within intron 35 of the KIF1B gene. This nucleotide position is highly conserved in available vertebrate species. In silico splice site analysis predicts that this alteration will weaken the native splice donor site. The evidence for this gene-disease relationship is limited; therefore, the clinical significance of this alteration is unclear.

NM_001365951.3(KIF1B):c.4055+5del

Gene: KIF1B (kinesin family member 1B; plus strand). Cytogenetic location: 1p36.22.
Variant type: Deletion.
Coding change: c.4055+5del on transcript NM_001365951.3 (MANE Select); 5 bases into the intron after coding-DNA position 4055, one base deleted (G; older notation c.4055+5delG).
Molecular consequence: intron variant.
Genome position (GRCh38, 1-based): chr1:10,352,741, G deleted; the last of 3 consecutive G bases (chr1:10,352,739-10,352,741); deleting any one gives the same sequence. VCF-style (leftmost placement, unchanged base first): chr1-10352738-TG-T. GRCh37 (hg19) VCF-style: chr1-10412796-TG-T.
Other names: c.3917+5del (NM_015074.3); c.4055+5del (NM_001365952.1); c.3917+5delG (NM_015074.3).
Identifiers: ClinVar variation 1736150 (VCV001736150.3), dbSNP rs2521828812, ClinGen allele CA2580060472.